The following is an entry in ClinVar:

ClinVar aggregate classification (germline): Uncertain significance. Review status: criteria provided, multiple submitters, no conflicts (2 of 4 stars). 2 submissions from 2 submitters: Uncertain significance (2). Last evaluated 2023-01-23.

Conditions:
Hereditary cancer-predisposing syndrome. Also called: Neoplastic Syndromes, Hereditary; Tumor predisposition; Hereditary neoplastic syndrome; Hereditary Cancer Syndrome. Identifiers: Orphanet 140162, MedGen C0027672, MeSH D009386, MONDO:0015356.
POLD1-related polyposis and colorectal cancer syndrome (CRCS10). Also called: COLORECTAL CANCER, SUSCEPTIBILITY TO, ON CHROMOSOME 19q; Colorectal cancer 10; Colorectal cancer, susceptibility to, 10. Identifiers: Orphanet 220460, MedGen C2675481, MONDO:0012953, OMIM 612591.

Submissions (2):

Labcorp Genetics (formerly Invitae), Labcorp
Classification: Uncertain significance for POLD1-related polyposis and colorectal cancer syndrome. Last evaluated: 2023-01-23. Review status: criteria provided, single submitter. Criteria: Invitae Variant Classification Sherloc (09022015). Collection method: clinical testing. Allele origin: germline.
Comment: In summary, the available evidence is currently insufficient to determine the role of this variant in disease. Therefore, it has been classified as a Variant of Uncertain Significance. Algorithms developed to predict the effect of missense changes on protein structure and function are either unavailable or do not agree on the potential impact of this missense change (SIFT: "Deleterious"; PolyPhen-2: "Possibly Damaging"; Align-GVGD: "Class C0"). ClinVar contains an entry for this variant (Variation ID: 1747062). This variant has not been reported in the literature in individuals affected with POLD1-related conditions. This variant is not present in population databases (gnomAD no frequency). This sequence change replaces glycine, which is neutral and non-polar, with arginine, which is basic and polar, at codon 179 of the POLD1 protein (p.Gly179Arg).

Ambry Genetics
Classification: Uncertain significance for Hereditary cancer-predisposing syndrome. Last evaluated: 2022-03-24. Review status: criteria provided, single submitter. Criteria: Ambry Variant Classification Scheme 2023. Collection method: clinical testing. Allele origin: germline.
Comment: The p.G179R variant (also known as c.535G>C), located in coding exon 4 of the POLD1 gene, results from a G to C substitution at nucleotide position 535. The glycine at codon 179 is replaced by arginine, an amino acid with dissimilar properties. This amino acid position is conserved. In addition, this alteration is predicted to be tolerated by in silico analysis. Since supporting evidence is limited at this time, the clinical significance of this alteration remains unclear.

NM_002691.4(POLD1):c.535G>C (p.Gly179Arg)

Gene: POLD1 (DNA polymerase delta 1, catalytic subunit; plus strand). Cytogenetic location: 19q13.33.
Variant type: single nucleotide variant.
Coding change: c.535G>C on transcript NM_002691.4 (MANE Select); coding-DNA position 535, G replaced by C.
Protein change: p.Gly179Arg; replaces glycine 179 with arginine.
Molecular consequence: missense variant. On other transcripts: non-coding transcript variant (1).
Genome position (GRCh38, 1-based): chr19:50,402,070, G>C. VCF-style: chr19-50402070-G-C. GRCh37 (hg19) VCF-style: chr19-50905327-G-C.
Other names: c.535G>C, p.Gly179Arg (NM_001256849.1, NM_001308632.1); short protein forms G179R.
Identifiers: ClinVar variation 1747062 (VCV001747062.5), dbSNP rs2038663155, ClinGen allele CA406973216.